The following is an entry in ClinVar:

NM_001365276.2(TNXB):c.235C>A (p.Leu79Met)

Gene: TNXB (tenascin XB; minus strand). Cytogenetic location: 6p21.33.
Variant type: single nucleotide variant.
Coding change: c.235C>A on transcript NM_001365276.2 (MANE Select); coding-DNA position 235, C replaced by A.
Protein change: p.Leu79Met; replaces leucine 79 with methionine.
Molecular consequence: missense variant.
Genome position (GRCh38, 1-based): chr6:32,097,964, G>T on the plus strand (C>A on the coding strand, the complement: TNXB is on the minus strand). VCF-style: chr6-32097964-G-T. GRCh37 (hg19) VCF-style: chr6-32065741-G-T.
Other names: c.235C>A, p.Leu79Met (NM_019105.8); short protein forms L79M.
Identifiers: ClinVar variation 1305542 (VCV001305542.2), dbSNP rs780737052, ClinGen allele CA363492303.

ClinVar aggregate classification (germline): Uncertain significance (1 of 4 stars; one submission).

Submission:

GeneDx
Classification: Uncertain significance. Last evaluated: 2019-04-29. Review status: criteria provided, single submitter. Criteria: GeneDx Variant Classification Process June 2021. Collection method: clinical testing. Allele origin: germline. Affected: yes.
Comment: Not observed in large population cohorts (Lek et al., 2016); In silico analysis, which includes protein predictors and evolutionary conservation, supports that this variant does not alter protein structure/function; Has not been previously published as pathogenic or benign to our knowledge